The following is an entry in ClinVar:

ClinVar aggregate classification (germline): Likely pathogenic (0 of 4 stars; one submission).

Conditions:
Glycine encephalopathy. Also called: Nonketotic hyperglycinemia; Non-ketotic hyperglycinemia. Identifiers: Orphanet 407, MedGen C0751748, MONDO:0011612, HP:0008288.

Allele frequency attached by ClinVar (database versions not stated): gnomAD exomes below 0.00001.
gnomAD v4.1: 2 of 1,590,238 alleles (0.00013%); highest among the groups gnomAD compares: Non-Finnish European, 0.00017%; no homozygotes.

Submission:

Juha Muilu Group; Institute for Molecular Medicine Finland (FIMM)
Classification: Likely pathogenic for Non-ketotic hyperglycinemia. Review status: no assertion criteria provided. Collection method: not provided. Allele origin: unknown.
Comment: FinDis database variant: This variant was not found or characterized by our laboratory, data were collected from public sources: see reference
ClinVar note: Converted during submission from probable-pathogenic to Likely pathogenic.

NM_000170.3(GLDC):c.2846C>T (p.Pro949Leu)

Gene: GLDC (glycine decarboxylase; minus strand). Cytogenetic location: 9p24.1.
Variant type: single nucleotide variant.
Coding change: c.2846C>T on transcript NM_000170.3 (MANE Select); coding-DNA position 2846, C replaced by T.
Protein change: p.Pro949Leu; replaces proline 949 with leucine.
Molecular consequence: missense variant.
Genome position (GRCh38, 1-based): chr9:6,534,781, G>A on the plus strand (C>T on the coding strand, the complement: GLDC is on the minus strand). VCF-style: chr9-6534781-G-A. GRCh37 (hg19) VCF-style: chr9-6534781-G-A.
Other names: short protein forms P949L.
Identifiers: ClinVar variation 56089 (VCV000056089.2), dbSNP rs386833570, ClinGen allele CA263400.
Genomic context (GRCh38, chr9:6,534,781, plus strand): 5'-GCCACCTCTCTGGAATAAGGCCGGTCCCAGTGGGAAGATGTAACGCAGGTCAGGGAGTGT[G>A]GAGACATCTGAGACAGAGACACGGACAGAGGAGGGGTCAGAGCAATACACTCTCTTCTCC-3'
Protein context (NP_000161.2, residues 939-959): DPRVNPLKMS[Pro949Leu]HSLTCVTSSH